The following is an entry in ClinVar:

ClinVar aggregate classification (germline): Benign (1 of 4 stars; one submission).

Conditions:
Episodic ataxia type 6. Identifiers: Orphanet 209967, MedGen C2675211, MONDO:0012982, OMIM 612656.

Allele frequency attached by ClinVar (database versions not stated): gnomAD 0.00005 and 0.00006; TOPMed 0.00006; 1000 Genomes Project 30x 0.00031; 1000 Genomes Project 0.00040.

Submission:

Illumina Laboratory Services, Illumina
Classification: Benign for Episodic ataxia type 6. Last evaluated: 2018-01-13. Review status: criteria provided, single submitter. Criteria: ICSL Variant Classification Criteria 13 December 2019. Collection method: clinical testing. Allele origin: germline.
Comment: This variant was observed in the ICSL laboratory as part of a predisposition screen in an ostensibly healthy population. It had not been previously curated by ICSL or reported in the Human Gene Mutation Database (HGMD: prior to June 1st, 2018), and was therefore a candidate for classification through an automated scoring system. Utilizing variant allele frequency, disease prevalence and penetrance estimates, and inheritance mode, an automated score was calculated to assess if this variant is too frequent to cause the disease. Based on the score and internal cut-off values, a variant classified as benign is not then subjected to further curation. The score for this variant resulted in a classification of benign for this disease.

NM_004172.5(SLC1A3):c.*1028A>G

Genes: SLC1A3-AS1 (SLC1A3 antisense RNA 1; minus strand), SLC1A3 (solute carrier family 1 member 3; plus strand). Cytogenetic location: 5p13.2.
Variant type: single nucleotide variant.
Coding change: c.*1028A>G on transcript NM_004172.5 (MANE Select); 1028 bases downstream of the stop codon, A replaced by G.
Molecular consequence: 3 prime UTR variant.
Genome position (GRCh38, 1-based): chr5:36,687,297, A>G. VCF-style: chr5-36687297-A-G. GRCh37 (hg19) VCF-style: chr5-36687399-A-G.
Other names: c.*1028A>G (NM_001166695.3, NM_001289939.2, NM_001289940.2).
Identifiers: ClinVar variation 907445 (VCV000907445.4), dbSNP rs139308938, ClinGen allele CA117427481.